The following is an entry in ClinVar:

NM_005591.4(MRE11):c.314+2T>C

Gene: MRE11 (MRE11 double strand break repair nuclease; minus strand). Cytogenetic location: 11q21.
Variant type: single nucleotide variant.
Coding change: c.314+2T>C on transcript NM_005591.4 (MANE Select); the canonical splice donor site of the intron after coding-DNA position 314, T replaced by C.
Molecular consequence: splice donor variant.
Genome position (GRCh38, 1-based): chr11:94,485,922, A>G on the plus strand (T>C on the coding strand, the complement: MRE11 is on the minus strand). VCF-style: chr11-94485922-A-G. GRCh37 (hg19) VCF-style: chr11-94219088-A-G.
Other names: c.314+2T>C (NM_001330347.2, NM_005590.4).
Identifiers: ClinVar variation 822978 (VCV000822978.5), dbSNP rs1591718826, ClinGen allele CA382379326.

ClinVar aggregate classification (germline): Likely pathogenic. Review status: criteria provided, multiple submitters, no conflicts (2 of 4 stars). 2 submissions from 2 submitters: Likely pathogenic (2). Last evaluated 2023-01-16.

Conditions:
Hereditary cancer-predisposing syndrome. Also called: Tumor predisposition; Hereditary Cancer Syndrome; Neoplastic Syndromes, Hereditary; Hereditary neoplastic syndrome. Identifiers: Orphanet 140162, MedGen C0027672, MeSH D009386, MONDO:0015356.

Submissions (2):

Athena Diagnostics
Classification: Likely pathogenic. Last evaluated: 2023-01-16. Review status: criteria provided, single submitter. Criteria: Athena Diagnostics Criteria. Collection method: clinical testing. Allele origin: unknown.
Comment: This variant is expected to severely impact normal RNA splicing, and consequently, protein structure and/or function. This variant has not been reported in large, multi-ethnic general populations.

Ambry Genetics
Classification: Likely pathogenic for Hereditary cancer-predisposing syndrome. Last evaluated: 2018-03-27. Review status: criteria provided, single submitter. Criteria: Ambry Variant Classification Scheme 2023. Collection method: clinical testing. Allele origin: germline.
Comment: The c.314+2T>C intronic variant results from a T to C substitution two nucleotides after coding exon 3 in the MRE11A gene. This nucleotide position is highly conserved in available vertebrate species. Using the BDGP and ESEfinder splice site prediction tools, this alteration is predicted to abolish the native splice donor site; however, direct evidence is unavailable. Alterations that disrupt the canonical splice site are expected to cause aberrant splicing, resulting in an abnormal protein or a transcript that is subject to nonsense-mediated mRNA decay. As such, this alteration is classified as likely pathogenic.